The following is an entry in ClinVar:

NC_000023.10:g.(?_153586793)_(153609557_?)dup

Genes: EMD (emerin; plus strand), FLNA (filamin A; minus strand). Cytogenetic location: Xq28.
Variant type: Duplication.
Identifiers: ClinVar variation 3244409 (VCV003244409.1).

ClinVar aggregate classification (germline): Uncertain significance (1 of 4 stars; one submission).

Conditions:
Melnick-Needles syndrome (MNS). Also called: MELNICK-NEEDLES OSTEODYSPLASTY; OSTEODYSPLASTY OF MELNICK AND NEEDLES; Melnick-Needles Syndrome (FLNA-MNS). Identifiers: Orphanet 2484, MedGen C0025237, MONDO:0010650, OMIM 309350.
Heterotopia, periventricular, X-linked dominant (PVNH1). Also called: PERIVENTRICULAR NODULAR HETEROTOPIA 1; X-linked periventricular heterotopia; PERIVENTRICULAR NODULAR HETEROTOPIA 4; HETEROTOPIA, PERIVENTRICULAR, 1. Identifiers: Orphanet 2149, Orphanet 82004, MedGen C1848213, MONDO:0010233, OMIM 300049.
Frontometaphyseal dysplasia (FMD1). Identifiers: Orphanet 1826, MedGen C0265293, MONDO:0015942.
Oto-palato-digital syndrome, type II (OPD2). Also called: FACIOPALATOOSSEOUS SYNDROME; OPD II SYNDROME; Otopalatodigital Syndrome, Type II; Otopalatodigital Syndrome Type 2 (FLNA-OPD2). Identifiers: Orphanet 669, Orphanet 90652, MedGen C1844696, MONDO:0010571, OMIM 304120.

Submission:

Labcorp Genetics (formerly Invitae), Labcorp
Classification: Uncertain significance for Oto-palato-digital syndrome, type II; Heterotopia, periventricular, X-linked dominant; Frontometaphyseal dysplasia; Melnick-Needles syndrome. Last evaluated: 2024-01-01. Review status: criteria provided, single submitter. Criteria: Invitae Variant Classification Sherloc (09022015). Collection method: clinical testing. Allele origin: unknown.
Comment: This variant results in a copy number gain of the genomic region encompassing exon(s) 1-27 of the FLNA gene. This region includes the initiator codon of the gene. This copy number gain extends beyond the assayed region for this gene and therefore may encompass additional genes. As the precise location of this event is unknown, it may be in tandem or it may be located elsewhere in the genome. This variant has not been reported in the literature in individuals affected with FLNA-related conditions. Experimental studies and prediction algorithms are not available or were not evaluated, and the functional significance of this variant is currently unknown. In summary, the available evidence is currently insufficient to determine the role of this variant in disease. Therefore, it has been classified as a Variant of Uncertain Significance.